The following is an entry in ClinVar:

ClinVar aggregate classification (germline): Uncertain significance (1 of 4 stars; one submission).

Conditions:
Hereditary sensory and autonomic neuropathy type 6. Also called: HSAN VI; Neuropathy, hereditary sensory and autonomic, type VI. Identifiers: Orphanet 314381, MedGen C3539003, MONDO:0013839, OMIM 614653.
Epidermolysis bullosa simplex 3, localized or generalized intermediate, with BP230 deficiency (EBS3). Also called: Epidermolysis bullosa simplex, autosomal recessive 2; Epidermolysis bullosa simplex due to BP230 deficiency. Identifiers: Orphanet 412181, MedGen C3809470, MONDO:0014180, OMIM 615425.

Allele frequency attached by ClinVar (database versions not stated): gnomAD 0.00001; ExAC 0.00003.
gnomAD v4.1: 6 of 1,577,530 alleles (0.00038%); highest among the groups gnomAD compares: South Asian, 0.0012%; no homozygotes.

Submission:

Labcorp Genetics (formerly Invitae), Labcorp
Classification: Uncertain significance for Epidermolysis bullosa simplex 3, localized or generalized intermediate, with BP230 deficiency; Hereditary sensory and autonomic neuropathy type 6. Last evaluated: 2021-10-06. Review status: criteria provided, single submitter. Criteria: Invitae Variant Classification Sherloc (09022015). Collection method: clinical testing. Allele origin: germline.
Comment: Algorithms developed to predict the effect of sequence changes on RNA splicing suggest that this variant may create or strengthen a splice site. Experimental studies and prediction algorithms are not available or were not evaluated, and the functional significance of this variant is currently unknown. This variant has not been reported in the literature in individuals affected with DST-related conditions. This variant is present in population databases (rs758024799, ExAC 0.006%). This sequence change replaces threonine with alanine at codon 3636 of the DST protein (p.Thr3636Ala). The DST gene has multiple clinically relevant transcripts. This variant occurs in alternate transcript NM_015548.4, and corresponds to NM_001723.5:c.*104315A>G in the primary transcript. In summary, the available evidence is currently insufficient to determine the role of this variant in disease. Therefore, it has been classified as a Variant of Uncertain Significance.

NM_001374736.1(DST):c.18775A>G (p.Thr6259Ala)

Gene: DST (dystonin; minus strand). Cytogenetic location: 6p12.1.
Variant type: single nucleotide variant.
Coding change: c.18775A>G on transcript NM_001374736.1 (MANE Select); coding-DNA position 18775, A replaced by G.
Protein change: p.Thr6259Ala; replaces threonine 6259 with alanine.
Molecular consequence: missense variant.
Genome position (GRCh38, 1-based): chr6:56,511,202, T>C on the plus strand (A>G on the coding strand, the complement: DST is on the minus strand). VCF-style: chr6-56511202-T-C. GRCh37 (hg19) VCF-style: chr6-56376000-T-C.
Other names: c.12418A>G, p.Thr4140Ala (NM_001144769.5); c.12004A>G, p.Thr4002Ala (NM_001144770.2); c.18775A>G, p.Thr6259Ala (NM_001374722.1); c.11884A>G, p.Thr3962Ala (NM_001386100.1, NM_183380.4); c.10906A>G, p.Thr3636Ala (NM_015548.5); c.17815A>G, p.Thr5939Ala (NM_001374729.1); c.11557A>G, p.Thr3853Ala (NM_001374730.1); c.18802A>G, p.Thr6268Ala (NM_001374734.1); short protein forms T6259A, T3853A, T3962A, T4002A, T4140A, T6268A, T3636A, T5939A.
Identifiers: ClinVar variation 1450735 (VCV001450735.6), dbSNP rs758024799, ClinGen allele CA3867156.
Genomic context (GRCh38, chr6:56,511,202, plus strand): 5'-TTCTGTGCTCTGTTGTCTGCAAGAACCCAATTCTATATCTAGTGTAAACAATTACCTGAG[T>C]TGATTGAGAAATGGCTTCATCCAGTGCCACAGCACGCTTTTTGACATCTTCTTTAATTTG-3'
Protein context (NP_001361665.1, residues 6249-6269): VALDEAISQS[Thr6259Ala]QFHDKIDQIL